The following is an entry in ClinVar:

ClinVar aggregate classification (germline): Uncertain significance (1 of 4 stars; one submission).

Conditions:
Cardiovascular phenotype. Identifiers: MedGen CN230736.

gnomAD v4.1: 1 of 1,613,250 alleles (0.000062%); highest among the groups gnomAD compares: Non-Finnish European, 0.000085%; no homozygotes.

Submission:

Ambry Genetics
Classification: Uncertain significance for Cardiovascular phenotype. Last evaluated: 2026-04-12. Review status: criteria provided, single submitter. Criteria: Ambry Variant Classification Scheme 2023. Collection method: clinical testing. Allele origin: germline.
Comment: The p.H483R variant (also known as c.1448A>G), located in coding exon 13 of the PRDM5 gene, results from an A to G substitution at nucleotide position 1448. The histidine at codon 483 is replaced by arginine, an amino acid with highly similar properties. This amino acid position is conserved. In addition, this alteration is predicted to be deleterious by in silico analysis. Based on the available evidence, the clinical significance of this variant remains unclear.

NM_018699.4(PRDM5):c.1448A>G (p.His483Arg)

Gene: PRDM5 (PR/SET domain 5; minus strand). Cytogenetic location: 4q27.
Variant type: single nucleotide variant.
Coding change: c.1448A>G on transcript NM_018699.4 (MANE Select); coding-DNA position 1448, A replaced by G.
Protein change: p.His483Arg; replaces histidine 483 with arginine.
Molecular consequence: missense variant.
Genome position (GRCh38, 1-based): chr4:120,777,277, T>C on the plus strand (A>G on the coding strand, the complement: PRDM5 is on the minus strand). VCF-style: chr4-120777277-T-C. GRCh37 (hg19) VCF-style: chr4-121698432-T-C.
Other names: c.1355A>G, p.His452Arg (NM_001300823.2, NM_001300824.2, NM_001379106.1); c.1481A>G, p.His494Arg (NM_001379104.1); short protein forms H452R, H483R, H494R.
Identifiers: ClinVar variation 4862484 (VCV004862484.1).